The following is an entry in ClinVar:

ClinVar aggregate classification (germline): Likely benign. Review status: criteria provided, multiple submitters, no conflicts (2 of 4 stars). 2 submissions from 2 submitters: Likely benign (2). Last evaluated 2025-04-29.

Conditions:
Glycogen storage disease IXa1. Also called: LIVER GLYCOGENOSIS, X-LINKED, TYPE I; GLYCOGEN STORAGE DISEASE VIII; GSD VIII; Glycogen storage disease 8. Identifiers: Orphanet 264580, MedGen C3694531, MONDO:0010598, OMIM 306000.

Allele frequency attached by ClinVar (database versions not stated): ExAC 0.00005; gnomAD exomes 0.00006; TOPMed 0.00011; gnomAD 0.00014.
gnomAD v4.1: 89 of 1,209,500 alleles (0.0074%); highest among the groups gnomAD compares: East Asian, 0.015%; no homozygotes.

Submissions (2):

Labcorp Genetics (formerly Invitae), Labcorp
Classification: Likely benign for Glycogen storage disease IXa1. Last evaluated: 2025-04-29. Review status: criteria provided, single submitter. Criteria: Invitae Variant Classification Sherloc (09022015). Collection method: clinical testing. Allele origin: germline.

CeGaT Center for Human Genetics Tuebingen
Classification: Likely benign. Last evaluated: 2022-11-01. Review status: criteria provided, single submitter. Criteria: CeGaT Center For Human Genetics Tuebingen Variant Classification Criteria Version 2. Collection method: clinical testing. Allele origin: germline. Affected: yes. Observed: 1 variant allele.
Comment: PHKA2: BS2

NM_000292.3(PHKA2):c.2398G>A (p.Gly800Arg)

Gene: PHKA2 (phosphorylase kinase regulatory subunit alpha 2; minus strand). Cytogenetic location: Xp22.13.
Variant type: single nucleotide variant.
Coding change: c.2398G>A on transcript NM_000292.3 (MANE Select); coding-DNA position 2398, G replaced by A.
Protein change: p.Gly800Arg; replaces glycine 800 with arginine.
Molecular consequence: missense variant.
Genome position (GRCh38, 1-based): chrX:18,908,019, C>T on the plus strand (G>A on the coding strand, the complement: PHKA2 is on the minus strand). VCF-style: chrX-18908019-C-T. GRCh37 (hg19) VCF-style: chrX-18926137-C-T.
Other names: short protein forms G800R.
Identifiers: ClinVar variation 2066415 (VCV002066415.28), dbSNP rs777119197, ClinGen allele CA10361646.